The following is an entry in ClinVar:

NM_001099857.5(IKBKG):c.187+1G>A

Gene: IKBKG (inhibitor of nuclear factor kappa B kinase regulatory subunit gamma; plus strand). Cytogenetic location: Xq28.
Variant type: single nucleotide variant.
Coding change: c.187+1G>A on transcript NM_001099857.5 (MANE Select); the canonical splice donor site of the intron after coding-DNA position 187, G replaced by A.
Molecular consequence: splice donor variant.
Genome position (GRCh38, 1-based): chrX:154,552,190, G>A. VCF-style: chrX-154552190-G-A. GRCh37 (hg19) VCF-style: chrX-153780405-G-A.
Other names: c.187+1G>A (NM_001377312.1, NM_001377313.1, NM_001321396.3 and 5 more transcripts); c.391+1G>A (NM_001099856.6).
Identifiers: ClinVar variation 3109022 (VCV003109022.1), dbSNP rs2523349291, ClinGen allele CA415206527.

ClinVar aggregate classification (germline): Pathogenic (1 of 4 stars; one submission).

Conditions:
Inborn genetic diseases. Identifiers: MedGen C0950123, MeSH D030342.

Submission:

Ambry Genetics
Classification: Pathogenic for Inborn genetic diseases. Last evaluated: 2023-09-28. Review status: criteria provided, single submitter. Criteria: Ambry Variant Classification Scheme 2023. Collection method: clinical testing. Allele origin: germline.
Comment: The c.187+1G>A intronic variant results from a G to A substitution one nucleotide after exon 2 (coding exon 1) of the IKBKG gene. Alterations that disrupt the canonical splice site are expected to result in aberrant splicing. The resulting transcript is predicted to lose the first coding exon including the initiation codon, which is expected to result in either loss of translation initiation or N-terminal truncation. This variant was not reported in population-based cohorts in the Genome Aggregation Database (gnomAD). This nucleotide position is highly conserved in available vertebrate species. In silico splice site analysis predicts that this alteration will weaken the native splice donor site. Based on the available evidence, this alteration is classified as pathogenic.